The following is an entry in ClinVar:

ClinVar aggregate classification (germline): Uncertain significance (1 of 4 stars; one submission).

Submission:

Labcorp Genetics (formerly Invitae), Labcorp
Classification: Uncertain significance. Last evaluated: 2023-10-25. Review status: criteria provided, single submitter. Criteria: Invitae Variant Classification Sherloc (09022015). Collection method: clinical testing. Allele origin: germline.
Comment: This sequence change replaces lysine, which is basic and polar, with glutamic acid, which is acidic and polar, at codon 878 of the NEFH protein (p.Lys878Glu). This variant is not present in population databases (gnomAD no frequency). This variant has not been reported in the literature in individuals affected with NEFH-related conditions. Advanced modeling of protein sequence and biophysical properties (such as structural, functional, and spatial information, amino acid conservation, physicochemical variation, residue mobility, and thermodynamic stability) performed at Invitae indicates that this missense variant is not expected to disrupt NEFH protein function with a negative predictive value of 95%. In summary, the available evidence is currently insufficient to determine the role of this variant in disease. Therefore, it has been classified as a Variant of Uncertain Significance.

NM_021076.4(NEFH):c.2632A>G (p.Lys878Glu)

Gene: NEFH (neurofilament heavy chain; plus strand). Cytogenetic location: 22q12.2.
Variant type: single nucleotide variant.
Coding change: c.2632A>G on transcript NM_021076.4 (MANE Select); coding-DNA position 2632, A replaced by G.
Protein change: p.Lys878Glu; replaces lysine 878 with glutamic acid.
Molecular consequence: missense variant.
Genome position (GRCh38, 1-based): chr22:29,490,272, A>G. VCF-style: chr22-29490272-A-G. GRCh37 (hg19) VCF-style: chr22-29886261-A-G.
Other names: short protein forms K878E.
Identifiers: ClinVar variation 2767850 (VCV002767850.3), dbSNP rs2063073194, ClinGen allele CA411138262.